The following is an entry in ClinVar:

NM_002439.5(MSH3):c.2090G>A (p.Gly697Glu)

Gene: MSH3 (mutS homolog 3; plus strand). Cytogenetic location: 5q14.1.
Variant type: single nucleotide variant.
Coding change: c.2090G>A on transcript NM_002439.5 (MANE Select); coding-DNA position 2090, G replaced by A.
Protein change: p.Gly697Glu; replaces glycine 697 with glutamic acid.
Molecular consequence: missense variant.
Genome position (GRCh38, 1-based): chr5:80,768,840, G>A. VCF-style: chr5-80768840-G-A. GRCh37 (hg19) VCF-style: chr5-80064659-G-A.
Other names: short protein forms G697E.
Identifiers: ClinVar variation 1412701 (VCV001412701.8), dbSNP rs2112885091, ClinGen allele CA360279172.

ClinVar aggregate classification (germline): Uncertain significance (1 of 4 stars; one submission).

Submission:

Labcorp Genetics (formerly Invitae), Labcorp
Classification: Uncertain significance. Last evaluated: 2026-01-11. Review status: criteria provided, single submitter. Criteria: Invitae Variant Classification Sherloc (09022015). Collection method: clinical testing. Allele origin: germline.
Comment: This sequence change replaces glycine, which is neutral and non-polar, with glutamic acid, which is acidic and polar, at codon 697 of the MSH3 protein (p.Gly697Glu). This variant is not present in population databases (gnomAD no frequency). This variant has not been reported in the literature in individuals affected with MSH3-related conditions. ClinVar contains an entry for this variant (Variation ID: 1412701). An algorithm developed to predict the effect of missense changes on protein structure and function (PolyPhen-2) suggests that this variant is likely to be disruptive. In summary, the available evidence is currently insufficient to determine the role of this variant in disease. Therefore, it has been classified as a Variant of Uncertain Significance.